The following is an entry in ClinVar:

NM_005762.3(TRIM28):c.573T>C (p.Thr191=)

Gene: TRIM28 (tripartite motif containing 28; plus strand). Cytogenetic location: 19q13.43.
Variant type: single nucleotide variant.
Coding change: c.573T>C on transcript NM_005762.3 (MANE Select); coding-DNA position 573, T replaced by C.
Protein change: p.Thr191=; no amino-acid change (threonine 191 retained).
Molecular consequence: synonymous variant.
Genome position (GRCh38, 1-based): chr19:58,545,883, T>C. VCF-style: chr19-58545883-T-C. GRCh37 (hg19) VCF-style: chr19-59057250-T-C.
Identifiers: ClinVar variation 4085793 (VCV004085793.8).

ClinVar aggregate classification (germline): Likely benign (1 of 4 stars; one submission).

gnomAD v4.1: 5 of 1,594,554 alleles (0.00031%); highest among the groups gnomAD compares: Non-Finnish European, 0.00043%; no homozygotes.

Submission:

CeGaT Center for Human Genetics Tuebingen
Classification: Likely benign. Last evaluated: 2025-08-01. Review status: criteria provided, single submitter. Criteria: CeGaT Center For Human Genetics Tuebingen Variant Classification Criteria Version 2. Collection method: clinical testing. Allele origin: germline. Affected: yes. Observed: 1 variant allele.
Comment: TRIM28: BP4, BP7